The following is an entry in ClinVar:

ClinVar aggregate classification (germline): Uncertain significance (1 of 4 stars; one submission).

Conditions:
Inborn genetic diseases. Identifiers: MedGen C0950123, MeSH D030342.

gnomAD v4.1: 5 of 1,612,626 alleles (0.00031%); highest among the groups gnomAD compares: Non-Finnish European, 0.00042%; no homozygotes.

Submission:

Ambry Genetics
Classification: Uncertain significance for Inborn genetic diseases. Last evaluated: 2026-08-25. Review status: criteria provided, single submitter. Criteria: Ambry Variant Classification Scheme 2023. Collection method: clinical testing. Allele origin: germline.
Comment: The p.M513I variant (also known as c.1539G>A), located in coding exon 15 of the ANKRD26 gene, results from a G to A substitution at nucleotide position 1539. The methionine at codon 513 is replaced by isoleucine, an amino acid with highly similar properties. This amino acid position is conserved. In addition, this alteration is predicted to be tolerated by in silico analysis. Based on the available evidence, the clinical significance of this variant remains unclear.

NM_014915.3(ANKRD26):c.1539G>A (p.Met513Ile)

Gene: ANKRD26 (ankyrin repeat domain 26; minus strand). Cytogenetic location: 10p12.1.
Variant type: single nucleotide variant.
Coding change: c.1539G>A on transcript NM_014915.3 (MANE Select); coding-DNA position 1539, G replaced by A.
Protein change: p.Met513Ile; replaces methionine 513 with isoleucine.
Molecular consequence: missense variant.
Genome position (GRCh38, 1-based): chr10:27,060,370, C>T on the plus strand (G>A on the coding strand, the complement: ANKRD26 is on the minus strand). VCF-style: chr10-27060370-C-T. GRCh37 (hg19) VCF-style: chr10-27349299-C-T.
Other names: c.1539G>A, p.Met513Ile (NM_001256053.2); short protein forms M513I.
Identifiers: ClinVar variation 5023671 (VCV005023671.1).